The following is an entry in ClinVar:

ClinVar aggregate classification (germline): Likely benign. Review status: criteria provided, single submitter (1 of 4 stars). 2 submissions from 2 submitters: Likely benign (1). 1 of the submissions does not count toward it. Last evaluated 2024-02-27.

Conditions:
HERC1-related disorder. Also called: HERC1-related condition.

Allele frequency attached by ClinVar (database versions not stated): gnomAD 0.00001; TOPMed 0.00001; gnomAD exomes 0.00002; ExAC 0.00005.
gnomAD v4.1: 29 of 1,613,374 alleles (0.0018%); highest among the groups gnomAD compares: Middle Eastern, 0.12%; no homozygotes.

Submissions (2):

Blueprint Genetics
Classification: Likely benign. Last evaluated: 2024-02-27. Review status: criteria provided, single submitter. Criteria: ACMG Guidelines, 2015. Collection method: clinical testing. Allele origin: germline.

PreventionGenetics, part of Exact Sciences
Classification: Likely benign for HERC1-related condition. Last evaluated: 2019-03-25. Review status: no assertion criteria provided. Collection method: clinical testing. Allele origin: germline. Not counted in ClinVar's aggregate classification.
Comment: This variant is classified as likely benign based on ACMG/AMP sequence variant interpretation guidelines (Richards et al. 2015 PMID: 25741868, with internal and published modifications).

NM_003922.4(HERC1):c.11016A>G (p.Val3672=)

Gene: HERC1 (HECT and RLD domain containing E3 ubiquitin protein ligase family member 1; minus strand). Cytogenetic location: 15q22.31.
Variant type: single nucleotide variant.
Coding change: c.11016A>G on transcript NM_003922.4 (MANE Select); coding-DNA position 11016, A replaced by G.
Protein change: p.Val3672=; no amino-acid change (valine 3672 retained).
Molecular consequence: synonymous variant.
Genome position (GRCh38, 1-based): chr15:63,645,545, T>C on the plus strand (A>G on the coding strand, the complement: HERC1 is on the minus strand). VCF-style: chr15-63645545-T-C. GRCh37 (hg19) VCF-style: chr15-63937744-T-C.
Identifiers: ClinVar variation 3057777 (VCV003057777.3), dbSNP rs775254440, ClinGen allele CA7604341.